The following is an entry in ClinVar:

ClinVar aggregate classification (germline): Uncertain significance (1 of 4 stars; one submission).

Submission:

Labcorp Genetics (formerly Invitae), Labcorp
Classification: Uncertain significance. Last evaluated: 2024-08-08. Review status: criteria provided, single submitter. Criteria: Invitae Variant Classification Sherloc (09022015). Collection method: clinical testing. Allele origin: germline.
Comment: This sequence change replaces glutamic acid, which is acidic and polar, with lysine, which is basic and polar, at codon 657 of the NSD1 protein (p.Glu657Lys). This variant is not present in population databases (gnomAD no frequency). This variant has not been reported in the literature in individuals affected with NSD1-related conditions. Advanced modeling of protein sequence and biophysical properties (such as structural, functional, and spatial information, amino acid conservation, physicochemical variation, residue mobility, and thermodynamic stability) performed at Invitae indicates that this missense variant is not expected to disrupt NSD1 protein function with a negative predictive value of 95%. In summary, the available evidence is currently insufficient to determine the role of this variant in disease. Therefore, it has been classified as a Variant of Uncertain Significance.

NM_022455.5(NSD1):c.1969G>A (p.Glu657Lys)

Gene: NSD1 (nuclear receptor binding SET domain protein 1; plus strand). Cytogenetic location: 5q35.3.
Variant type: single nucleotide variant.
Coding change: c.1969G>A on transcript NM_022455.5 (MANE Select); coding-DNA position 1969, G replaced by A.
Protein change: p.Glu657Lys; replaces glutamic acid 657 with lysine.
Molecular consequence: missense variant.
Genome position (GRCh38, 1-based): chr5:177,210,368, G>A. VCF-style: chr5-177210368-G-A. GRCh37 (hg19) VCF-style: chr5-176637369-G-A.
Other names: c.1096G>A, p.Glu366Lys (NM_001365684.2, NM_001409306.1, NM_001409307.1 and 3 more transcripts); c.1969G>A, p.Glu657Lys (NM_001409301.1, NM_001409302.1, NM_001409303.1); c.1549G>A, p.Glu517Lys (NM_001409304.1); c.1216G>A, p.Glu406Lys (NM_001409305.1); short protein forms E517K, E406K, E657K, E366K.
Identifiers: ClinVar variation 3708041 (VCV003708041.2).